The following is an entry in ClinVar:

NM_007078.3(LDB3):c.443G>A (p.Arg148Gln)

Gene: LDB3 (LIM domain binding 3; plus strand). Cytogenetic location: 10q23.2.
Variant type: single nucleotide variant.
Coding change: c.443G>A on transcript NM_007078.3 (MANE Select); coding-DNA position 443, G replaced by A.
Protein change: p.Arg148Gln; replaces arginine 148 with glutamine.
Molecular consequence: missense variant. On other transcripts: intron variant (5).
Genome position (GRCh38, 1-based): chr10:86,681,557, G>A. VCF-style: chr10-86681557-G-A. GRCh37 (hg19) VCF-style: chr10-88441314-G-A.
Other names: c.443G>A (NM_007078.2); c.443G>A, p.Arg148Gln (NM_001080115.2, NM_001171610.2, NM_001171611.2 and 3 more transcripts); c.321+1400G>A (NM_001368068.1, NM_001368066.1, NM_001080114.2 and 2 more transcripts); short protein forms R148Q.
Identifiers: ClinVar variation 191695 (VCV000191695.13), dbSNP rs751254270, ClinGen allele CA237292.

ClinVar aggregate classification (germline): Conflicting classifications of pathogenicity. Review status: criteria provided, conflicting classifications (1 of 4 stars). 7 submissions from 7 submitters: Uncertain significance (6); Likely benign (1). Last evaluated 2025-11-26.

Conditions:
Cardiovascular phenotype. Identifiers: MedGen CN230736.
Myofibrillar myopathy 4. Also called: Zaspopathy (type). Identifiers: Orphanet 98912, MedGen C4721886, MONDO:0012277, OMIM 609452.
Dilated cardiomyopathy 1C (CMD1C). Also called: CARDIOMYOPATHY, DILATED, 1C, WITH OR WITHOUT LEFT VENTRICULAR NONCOMPACTION; Cardiomyopathy, dilated, 1C, with or without LVNC. Identifiers: Orphanet 154, Orphanet 54260, MedGen C1832244, MONDO:0011094, OMIM 601493.

Allele frequency attached by ClinVar (database versions not stated): gnomAD 0.00001; TOPMed 0.00002; gnomAD exomes 0.00001; ExAC 0.00002.
gnomAD v4.1: 16 of 1,612,806 alleles (0.00099%); highest among the groups gnomAD compares: South Asian, 0.0055%; no homozygotes.

Submissions (7):

Labcorp Genetics (formerly Invitae), Labcorp
Classification: Uncertain significance for Myofibrillar myopathy 4. Last evaluated: 2025-11-26. Review status: criteria provided, single submitter. Criteria: Invitae Variant Classification Sherloc (09022015). Collection method: clinical testing. Allele origin: germline.
Comment: The LDB3 gene has multiple clinically relevant transcripts. This variant occurs in alternate transcript NM_007078.3, and corresponds to NM_001080116.1:c.321+1400G>A in the primary transcript. This sequence change replaces arginine, which is basic and polar, with glutamine, which is neutral and polar, at codon 148 of the LDB3 protein (p.Arg148Gln). The frequency data for this variant in the population databases is considered unreliable, as metrics indicate poor data quality at this position in the gnomAD database. This variant has not been reported in the literature in individuals affected with LDB3-related conditions. ClinVar contains an entry for this variant (Variation ID: 191695). Experimental studies and prediction algorithms are not available or were not evaluated, and the functional significance of this variant is currently unknown. Algorithms developed to predict the effect of sequence changes on RNA splicing suggest that this variant is not likely to affect RNA splicing. In summary, the available evidence is currently insufficient to determine the role of this variant in disease. Therefore, it has been classified as a Variant of Uncertain Significance.

Women's Health and Genetics/Laboratory Corporation of America, LabCorp
Classification: Uncertain significance. Last evaluated: 2025-07-18. Review status: criteria provided, single submitter. Criteria: LabCorp Variant Classification Summary - May 2015. Collection method: clinical testing. Allele origin: germline.
Comment: Variant summary: LDB3 c.443G>A (p.Arg148Gln) results in a conservative amino acid change in the encoded protein sequence. Algorithms developed to predict the effect of missense changes on protein structure and function are either unavailable or do not agree on the potential impact of this missense change. The variant allele was found at a frequency of 8.1e-06 in 248000 control chromosomes. The available data on variant occurrences in the general population are insufficient to allow any conclusion about variant significance. To our knowledge, no occurrence of c.443G>A in individuals affected with Hypertrophic Cardiomyopathy and no experimental evidence demonstrating its impact on protein function have been reported. ClinVar contains an entry for this variant (Variation ID: 191695). Based on the evidence outlined above, the variant was classified as uncertain significance.

Ambry Genetics
Classification: Likely benign for Cardiovascular phenotype. Last evaluated: 2022-01-05. Review status: criteria provided, single submitter. Criteria: Ambry Variant Classification Scheme 2023. Collection method: clinical testing. Allele origin: germline.

Fulgent Genetics
Classification: Uncertain significance for Dilated cardiomyopathy 1C; Myofibrillar myopathy 4. Last evaluated: 2021-08-26. Review status: criteria provided, single submitter. Criteria: ACMG Guidelines, 2015. Collection method: clinical testing. Allele origin: unknown.

GeneDx
Classification: Uncertain significance. Last evaluated: 2021-07-01. Review status: criteria provided, single submitter. Criteria: GeneDx Variant Classification Process June 2021. Collection method: clinical testing. Allele origin: germline. Affected: yes.
Comment: Has not been previously published as pathogenic or benign to our knowledge; Not observed at significant frequency in large population cohorts (Lek et al., 2016); In silico analysis supports that this missense variant does not alter protein structure/function; Located in an alternate transcript of the LDB3 gene; This variant is associated with the following publications: (PMID: 27535533)

Biesecker Lab/Clinical Genomics Section, National Institutes of Health
Classification: Uncertain significance. Last evaluated: 2013-06-24. Review status: criteria provided, single submitter. Criteria: Ng et al. (Circ Cardiovasc Genet. 2013). Collection method: research. Allele origin: unknown. Observed: 1 variant allele. Study: ClinSeq.
Comment: The study set was not selected for affection status in relation to any cancer. Pathogenicity categories were based on literature curation. See Pubmed ID:23861362 for details.

Medical sequencing

Breakthrough Genomics
Classification: Uncertain significance. Review status: criteria provided, single submitter. Criteria: ACMG Guidelines, 2015. Collection method: not provided. Allele origin: germline. Inheritance: Autosomal dominant inheritance. Affected: yes.